The following is an entry in ClinVar:

ClinVar aggregate classification (germline): Uncertain significance (1 of 4 stars; one submission).

Conditions:
Hereditary breast ovarian cancer syndrome. Also called: Hereditary breast and ovarian cancer; Hereditary breast and/or ovarian cancer syndrome; BRCA1- and BRCA2-Associated Hereditary Breast and Ovarian Cancer; Hereditary breast and ovarian cancer syndrome; Hereditary breast and ovarian cancer syndrome (HBOC); Breast and ovarian cancer. Identifiers: Orphanet 145, MedGen C0677776, MeSH D061325, MONDO:0003582. Disease mechanism: loss of function.

Submission:

Labcorp Genetics (formerly Invitae), Labcorp
Classification: Uncertain significance for Hereditary breast ovarian cancer syndrome. Last evaluated: 2016-09-20. Review status: criteria provided, single submitter. Criteria: Invitae Variant Classification Sherloc (09022015). Collection method: clinical testing. Allele origin: germline.
Comment: In summary, this variant is a novel missense change that is not predicted to affect protein function. There is no indication that it causes disease, but the available evidence is currently insufficient to prove that conclusively. Therefore, it has been classified as a Variant of Uncertain Significance. Algorithms developed to predict the effect of missense changes on protein structure and function (SIFT, PolyPhen-2, Align-GVGD) all suggest that this variant is likely to be tolerated, but these predictions have not been confirmed by published functional studies. This variant is not present in population databases (ExAC no frequency) and has not been reported in the literature in individuals with a BRCA2-related disease. This sequence change replaces serine with arginine at codon 2572 of the BRCA2 protein (p.Ser2572Arg). The serine residue is weakly conserved and there is a moderate physicochemical difference between serine and arginine.

NM_000059.4(BRCA2):c.7714A>C (p.Ser2572Arg)

Gene: BRCA2 (BRCA2 DNA repair associated; plus strand). Cytogenetic location: 13q13.1.
Variant type: single nucleotide variant.
Coding change: c.7714A>C on transcript NM_000059.4 (MANE Select); coding-DNA position 7714, A replaced by C.
Protein change: p.Ser2572Arg; replaces serine 2572 with arginine.
Molecular consequence: missense variant.
Genome position (GRCh38, 1-based): chr13:32,357,838, A>C. VCF-style: chr13-32357838-A-C. GRCh37 (hg19) VCF-style: chr13-32931975-A-C.
Other names: short protein forms S2572R.
Identifiers: ClinVar variation 409511 (VCV000409511.9), dbSNP rs1060502442, ClinGen allele CA16614353.